The following is an entry in ClinVar:

ClinVar aggregate classification (germline): Likely benign. Review status: criteria provided, multiple submitters, no conflicts (2 of 4 stars). 3 submissions from 3 submitters: Likely benign (2). 1 of the submissions does not count toward it. Last evaluated 2026-01-18.

Conditions:
CACNA1F-related disorder. Also called: CACNA1F-related condition.

Allele frequency attached by ClinVar (database versions not stated): gnomAD 0.00002; gnomAD exomes 0.00005 and 0.00025; ExAC 0.00013; TOPMed 0.00017.

Submissions (3):

Labcorp Genetics (formerly Invitae), Labcorp
Classification: Likely benign. Last evaluated: 2026-01-18. Review status: criteria provided, single submitter. Criteria: Invitae Variant Classification Sherloc (09022015). Collection method: clinical testing. Allele origin: germline.

Blueprint Genetics
Classification: Likely benign. Last evaluated: 2021-12-24. Review status: criteria provided, single submitter. Criteria: ACMG Guidelines, 2015. Collection method: clinical testing. Allele origin: germline.

PreventionGenetics, part of Exact Sciences
Classification: Likely benign for CACNA1F-related condition. Last evaluated: 2024-09-05. Review status: no assertion criteria provided. Collection method: clinical testing. Allele origin: germline. Not counted in ClinVar's aggregate classification.
Comment: This variant is classified as likely benign based on ACMG/AMP sequence variant interpretation guidelines (Richards et al. 2015 PMID: 25741868, with internal and published modifications).

NM_001256789.3(CACNA1F):c.4334C>A (p.Pro1445His)

Gene: CACNA1F (calcium voltage-gated channel subunit alpha1 F; minus strand). Cytogenetic location: Xp11.23.
Variant type: single nucleotide variant.
Coding change: c.4334C>A on transcript NM_001256789.3 (MANE Select); coding-DNA position 4334, C replaced by A.
Protein change: p.Pro1445His; replaces proline 1445 with histidine.
Molecular consequence: missense variant.
Genome position (GRCh38, 1-based): chrX:49,211,019, G>T on the plus strand (C>A on the coding strand, the complement: CACNA1F is on the minus strand). VCF-style: chrX-49211019-G-T. GRCh37 (hg19) VCF-style: chrX-49067479-G-T.
Other names: c.4172C>A, p.Pro1391His (NM_001256790.3); c.4367C>A, p.Pro1456His (NM_005183.4); c.4367C>A (NM_005183.3); short protein forms P1391H, P1445H, P1456H.
Identifiers: ClinVar variation 1100689 (VCV001100689.11), dbSNP rs782580575, ClinGen allele CA10410224.